The following is an entry in ClinVar:

ClinVar aggregate classification (germline): Likely benign. Review status: criteria provided, multiple submitters, no conflicts (2 of 4 stars). 2 submissions from 2 submitters: Likely benign (2). Last evaluated 2024-10-03.

Conditions:
Familial cancer of breast. Also called: BREAST CANCER, FAMILIAL; hereditary breast carcinoma; Hereditary breast cancer. Identifiers: Orphanet 227535, MedGen C0346153, MONDO:0016419, OMIM 114480. Disease mechanism: loss of function.
Ataxia-telangiectasia syndrome (AT). Also called: LOUIS-BAR SYNDROME; Cerebello-oculocutaneous telangiectasia; Immunodeficiency with ataxia telangiectasia; AT, COMPLEMENTATION GROUP C; Ataxia-telangiectasia, complementation group D; ATAXIA-TELANGIECTASIA, COMPLEMENTATION GROUP A. Identifiers: Orphanet 100, MedGen C0004135, MONDO:0008840, OMIM 208900.

Allele frequency attached by ClinVar (database versions not stated): TOPMed below 0.00001; ExAC 0.00001.

Submissions (2):

Labcorp Genetics (formerly Invitae), Labcorp
Classification: Likely benign for Ataxia-telangiectasia syndrome. Last evaluated: 2024-10-03. Review status: criteria provided, single submitter. Criteria: Invitae Variant Classification Sherloc (09022015). Collection method: clinical testing. Allele origin: germline.

Myriad Genetics, Inc.
Classification: Likely benign for Familial cancer of breast. Last evaluated: 2024-05-17. Review status: criteria provided, single submitter. Criteria: Myriad Autosomal Dominant, Autosomal Recessive and X-Linked Classification Criteria (2023). Collection method: clinical testing. Allele origin: unknown.
Comment: This variant is considered likely benign. This variant is intronic and is not expected to impact mRNA splicing.

NM_000051.4(ATM):c.4437-8T>C

Gene: ATM (ATM serine/threonine kinase; plus strand). Cytogenetic location: 11q22.3.
Variant type: single nucleotide variant.
Coding change: c.4437-8T>C on transcript NM_000051.4 (MANE Select); 8 bases into the intron before coding-DNA position 4437, T replaced by C.
Molecular consequence: intron variant.
Genome position (GRCh38, 1-based): chr11:108,292,611, T>C. VCF-style: chr11-108292611-T-C. GRCh37 (hg19) VCF-style: chr11-108163338-T-C.
Other names: c.4437-8T>C (NM_001351834.2).
Identifiers: ClinVar variation 3254429 (VCV003254429.3), dbSNP rs765929660.
Genomic context (GRCh38, chr11:108,292,611, plus strand): 5'-TGAATTTATTTCAGAGTAATTTTCCAGAACTTACTGGTTGTTGTTGTTTTTTTTTCTCCC[T>C]ATATTAGGCCTTCTTGTATCATGGATGTGTCATTACGTAGCTTCTCCCTTTGTTGTGACT-3'